The following is an entry in ClinVar:

NM_020312.4(COQ9):c.76G>T (p.Ala26Ser)

Gene: COQ9 (coenzyme Q9; plus strand). Cytogenetic location: 16q21.
Variant type: single nucleotide variant.
Coding change: c.76G>T on transcript NM_020312.4 (MANE Select); coding-DNA position 76, G replaced by T.
Protein change: p.Ala26Ser; replaces alanine 26 with serine.
Molecular consequence: missense variant.
Genome position (GRCh38, 1-based): chr16:57,451,042, G>T. VCF-style: chr16-57451042-G-T. GRCh37 (hg19) VCF-style: chr16-57484954-G-T.
Other names: short protein forms A26S.
Identifiers: ClinVar variation 1049826 (VCV001049826.6), dbSNP rs373320547, ClinGen allele CA8076089.

ClinVar aggregate classification (germline): Uncertain significance. Review status: criteria provided, multiple submitters, no conflicts (2 of 4 stars). 3 submissions from 3 submitters: Uncertain significance (2). 1 of the submissions does not count toward it. Last evaluated 2024-04-05.

Allele frequency attached by ClinVar (database versions not stated): gnomAD exomes below 0.00001 and 0.00002; ExAC 0.00001; gnomAD 0.00001; TOPMed 0.00002; ESP Exome Variant Server 0.00008.

Submissions (3):

Labcorp Genetics (formerly Invitae), Labcorp
Classification: Uncertain significance. Last evaluated: 2024-04-05. Review status: criteria provided, single submitter. Criteria: Invitae Variant Classification Sherloc (09022015). Collection method: clinical testing. Allele origin: germline.
Comment: This sequence change replaces alanine, which is neutral and non-polar, with serine, which is neutral and polar, at codon 26 of the COQ9 protein (p.Ala26Ser). This variant is present in population databases (rs373320547, gnomAD 0.002%). This variant has not been reported in the literature in individuals affected with COQ9-related conditions. ClinVar contains an entry for this variant (Variation ID: 1049826). Algorithms developed to predict the effect of missense changes on protein structure and function output the following: SIFT: "Not Available"; PolyPhen-2: "Benign"; Align-GVGD: "Not Available". The serine amino acid residue is found in multiple mammalian species, which suggests that this missense change does not adversely affect protein function. In summary, the available evidence is currently insufficient to determine the role of this variant in disease. Therefore, it has been classified as a Variant of Uncertain Significance.

GeneDx
Classification: Uncertain significance. Last evaluated: 2021-06-22. Review status: criteria provided, single submitter. Criteria: GeneDx Variant Classification Process June 2021. Collection method: clinical testing. Allele origin: germline. Affected: yes.

Department of Pathology and Laboratory Medicine, Sinai Health System
Classification: Uncertain significance. Review status: no assertion criteria provided. Collection method: clinical testing. Allele origin: unknown. Affected: yes. Study: The Canadian Open Genetics Repository (COGR). Not counted in ClinVar's aggregate classification.
Comment: The COQ9 p.Ala26Ser variant was not identified in the literature nor was it identified in ClinVar or LOVD 3.0. The variant was identified in dbSNP (ID: rs373320547) and in control databases in 2 of 282626 chromosomes at a frequency of 0.000007076 (Genome Aggregation Database March 6, 2019, v2.1.1). The variant was observed in the European (non-Finnish) population in 2 of 129048 chromosomes (freq: 0.000016), but was not observed in the African, Latino, Ashkenazi Jewish, East Asian, European (Finnish), Other, or South Asian populations. The p.Ala26 residue is not conserved in mammals and computational analyses (PolyPhen-2, SIFT, AlignGVGD, BLOSUM, MutationTaster) do not suggest a high likelihood of impact to the protein; however, this information is not predictive enough to rule out pathogenicity. The variant occurs outside of the splicing consensus sequence and in silico or computational prediction software programs (SpliceSiteFinder, MaxEntScan, NNSPLICE, GeneSplicer) do not predict a difference in splicing. In summary, based on the above information the clinical significance of this variant cannot be determined with certainty at this time. This variant is classified as a variant of uncertain significance.